The following is an entry in ClinVar:

NM_005633.4(SOS1):c.2113G>C (p.Glu705Gln)

Gene: SOS1 (SOS Ras/Rac guanine nucleotide exchange factor 1; minus strand). Cytogenetic location: 2p22.1.
Variant type: single nucleotide variant.
Coding change: c.2113G>C on transcript NM_005633.4 (MANE Select); coding-DNA position 2113, G replaced by C.
Protein change: p.Glu705Gln; replaces glutamic acid 705 with glutamine.
Molecular consequence: missense variant.
Genome position (GRCh38, 1-based): chr2:39,013,514, C>G on the plus strand (G>C on the coding strand, the complement: SOS1 is on the minus strand). VCF-style: chr2-39013514-C-G. GRCh37 (hg19) VCF-style: chr2-39240655-C-G.
Other names: c.2092G>C, p.Glu698Gln (NM_001382394.1); c.2113G>C, p.Glu705Gln (NM_001382395.1); short protein forms E698Q, E705Q.
Identifiers: ClinVar variation 5021034 (VCV005021034.1).
Genomic context (GRCh38, chr2:39,013,514, plus strand): 5'-ACATACCTCTTACTGTTCCAATAAATTCTTCCATTCGTTGCAAAAGATATGCATCTCTTT[C>G]AAAATCATAGAAGTGGTGCTCTACCCAGTGCCGACATACATTTAATACTCTATGGCATTA-3'
Protein context (NP_005624.2, residues 695-715): HWVEHHFYDF[Glu705Gln]RDAYLLQRME

ClinVar aggregate classification (germline): Uncertain significance (1 of 4 stars; one submission).

Submission:

Dasa
Classification: Uncertain significance. Last evaluated: 2024-12-06. Review status: criteria provided, single submitter. Criteria: DASA Assertion Criteria. Collection method: clinical testing. Allele origin: germline.
Comment: NM_005633.4(SOS1):c.2113G>C (p.Glu705Gln) is a missense variant that results in the substitution of glutamic acid with glutamine. This variant is absent from population databases. Computational prediction algorithms are consistent with a benign effect. The currently available literature and clinical evidence are not sufficient to establish a definitive association between this variant and the reported condition. Therefore, this variant is classified as a variant of uncertain significance.